The following is an entry in ClinVar:

GRCh38/hg38 15q11.2-13.1(chr15:23462305-28275167)x1

Genes: HERC2 (HECT and RLD domain containing E3 ubiquitin protein ligase 2; minus strand), ATP10A (ATPase phospholipid transporting 10A (putative); minus strand), ATP10A-DT (ATP10A divergent transcript; plus strand), GABRA5 (gamma-aminobutyric acid type A receptor subunit alpha5; plus strand), GABRB3 (gamma-aminobutyric acid type A receptor subunit beta3; minus strand) and 137 more. Cytogenetic location: 15q11.2-13.1.
Variant type: copy number loss.
Change: copy number 1 (one copy instead of two) of chr15:23,462,305-28,275,167 (4.81 Mb, GRCh38 coordinates, 1-based), cytogenetic band 15q11.2-13.1.
Identifiers: ClinVar variation 160798 (VCV000160798.1).

ClinVar aggregate classification (germline): Pathogenic. Review status: criteria provided, multiple submitters, no conflicts (2 of 4 stars). 2 submissions from 2 submitters: Pathogenic (2). Last evaluated 2011-08-12.

Submissions (2):

ISCA site 17
Classification: Pathogenic. Last evaluated: 2011-08-12. Review status: criteria provided, single submitter. Criteria: Kaminsky et al. (Genet Med. 2011). Collection method: clinical testing. Allele origin: unknown. Affected: yes. Observed: 2 variant alleles.
Comment: Copy number variation identified through the course of routine clinical cytogenomic testing in postnatal populations. Clinical assertions have been curated as described in Kaminsky et al. 2011.

ISCA site 4
Classification: Pathogenic. Last evaluated: 2011-08-12. Review status: criteria provided, single submitter. Criteria: Kaminsky et al. (Genet Med. 2011). Collection method: clinical testing. Allele origin: unknown. Affected: yes. Observed: 2 variant alleles.
Comment: the same text as in the submission from ISCA site 17 above.